The following is an entry in ClinVar:

ClinVar aggregate classification (germline): Uncertain significance. Review status: criteria provided, multiple submitters, no conflicts (2 of 4 stars). 4 submissions from 4 submitters: Uncertain significance (4). Last evaluated 2025-08-14.

Conditions:
Retinal dystrophy. Also called: Inherited retinal dystrophy. Identifiers: Orphanet 71862, MedGen C0854723, MeSH D058499, MONDO:0019118, HP:0000556.
Inborn genetic diseases. Identifiers: MedGen C0950123, MeSH D030342.

Allele frequency attached by ClinVar (database versions not stated): ExAC 0.00001; gnomAD exomes 0.00001; TOPMed 0.00002; gnomAD 0.00003 and 0.00004.
gnomAD v4.1: 50 of 1,613,822 alleles (0.0031%); highest among the groups gnomAD compares: Non-Finnish European, 0.0036%; no homozygotes.

Submissions (4):

Ambry Genetics
Classification: Uncertain significance for Inborn genetic diseases. Last evaluated: 2025-08-14. Review status: criteria provided, single submitter. Criteria: Ambry Variant Classification Scheme 2023. Collection method: clinical testing. Allele origin: germline.

Dept Of Ophthalmology, Nagoya University
Classification: Uncertain significance for Retinal dystrophy. Last evaluated: 2023-10-01. Review status: criteria provided, single submitter. Criteria: Submitter's publication. Collection method: research. Allele origin: germline. Affected: yes.

Blueprint Genetics
Classification: Uncertain significance. Last evaluated: 2022-07-27. Review status: criteria provided, single submitter. Criteria: ACMG Guidelines, 2015. Collection method: clinical testing. Allele origin: germline.

Labcorp Genetics (formerly Invitae), Labcorp
Classification: Uncertain significance. Last evaluated: 2022-01-21. Review status: criteria provided, single submitter. Criteria: Invitae Variant Classification Sherloc (09022015). Collection method: clinical testing. Allele origin: germline.
Comment: This sequence change replaces valine, which is neutral and non-polar, with methionine, which is neutral and non-polar, at codon 1162 of the IMPG2 protein (p.Val1162Met). This variant is present in population databases (rs775111361, gnomAD 0.003%). This variant has not been reported in the literature in individuals affected with IMPG2-related conditions. Algorithms developed to predict the effect of missense changes on protein structure and function output the following: SIFT: "Tolerated"; PolyPhen-2: "Benign"; Align-GVGD: "Class C0". The methionine amino acid residue is found in multiple mammalian species, which suggests that this missense change does not adversely affect protein function. In summary, the available evidence is currently insufficient to determine the role of this variant in disease. Therefore, it has been classified as a Variant of Uncertain Significance.

NM_016247.4(IMPG2):c.3484G>A (p.Val1162Met)

Gene: IMPG2 (interphotoreceptor matrix proteoglycan 2; minus strand). Cytogenetic location: 3q12.3.
Variant type: single nucleotide variant.
Coding change: c.3484G>A on transcript NM_016247.4 (MANE Select); coding-DNA position 3484, G replaced by A.
Protein change: p.Val1162Met; replaces valine 1162 with methionine.
Molecular consequence: missense variant.
Genome position (GRCh38, 1-based): chr3:101,229,529, C>T on the plus strand (G>A on the coding strand, the complement: IMPG2 is on the minus strand). VCF-style: chr3-101229529-C-T. GRCh37 (hg19) VCF-style: chr3-100948373-C-T.
Other names: c.3484G>A (NM_016247.3); short protein forms V1162M.
Identifiers: ClinVar variation 1384852 (VCV001384852.8), dbSNP rs775111361, ClinGen allele CA2518740.